The following is an entry in ClinVar:

ClinVar aggregate classification (germline): Uncertain significance. Review status: criteria provided, multiple submitters, no conflicts (2 of 4 stars). 2 submissions from 2 submitters: Uncertain significance (2). Last evaluated 2022-06-20.

Allele frequency attached by ClinVar (database versions not stated): gnomAD exomes below 0.00001 and 0.00001.
gnomAD v4.1: 4 of 1,521,068 alleles (0.00026%); highest among the groups gnomAD compares: East Asian, 0.0025%; no homozygotes.

Submissions (2):

Labcorp Genetics (formerly Invitae), Labcorp
Classification: Uncertain significance. Last evaluated: 2022-06-20. Review status: criteria provided, single submitter. Criteria: Invitae Variant Classification Sherloc (09022015). Collection method: clinical testing. Allele origin: germline.
Comment: In summary, the available evidence is currently insufficient to determine the role of this variant in disease. Therefore, it has been classified as a Variant of Uncertain Significance. Algorithms developed to predict the effect of missense changes on protein structure and function are either unavailable or do not agree on the potential impact of this missense change (SIFT: "Tolerated"; PolyPhen-2: "Not Available"; Align-GVGD: "Class C0"). ClinVar contains an entry for this variant (Variation ID: 423186). This variant has not been reported in the literature in individuals affected with PDZD7-related conditions. The frequency data for this variant in the population databases is considered unreliable, as metrics indicate poor data quality at this position in the gnomAD database. This sequence change replaces arginine, which is basic and polar, with histidine, which is basic and polar, at codon 783 of the PDZD7 protein (p.Arg783His).

GeneDx
Classification: Uncertain significance. Last evaluated: 2017-02-15. Review status: criteria provided, single submitter. Criteria: GeneDx Variant Classification (06012015). Collection method: clinical testing. Allele origin: germline. Affected: yes.
Comment: The R783H variant in the PDZD7 gene has not been reported previously as a pathogenic variant, nor as a benign variant, to our knowledge. Adequate data is not available in large population cohorts to assess the frequency of this variant in publicly available databases; however, this variant has not been detected in presumably healthy individuals tested at GeneDx. The R783H variant is a conservative amino acid substitution, which is not likely to impact secondary protein structure as these residues share similar properties. This substitution occurs at a position that is not conserved, and in silico analysis is inconsistent in its predictions as to whether or not the variant is damaging to the protein structure/function. We interpret R783H as a variant of uncertain significance.

NM_001195263.2(PDZD7):c.2348G>A (p.Arg783His)

Gene: PDZD7 (PDZ domain containing 7; minus strand). Cytogenetic location: 10q24.31.
Variant type: single nucleotide variant.
Coding change: c.2348G>A on transcript NM_001195263.2 (MANE Select); coding-DNA position 2348, G replaced by A.
Protein change: p.Arg783His; replaces arginine 783 with histidine.
Molecular consequence: missense variant.
Genome position (GRCh38, 1-based): chr10:101,010,541, C>T on the plus strand (G>A on the coding strand, the complement: PDZD7 is on the minus strand). VCF-style: chr10-101010541-C-T. GRCh37 (hg19) VCF-style: chr10-102770298-C-T.
Other names: short protein forms R783H.
Identifiers: ClinVar variation 423186 (VCV000423186.7), dbSNP rs1064796284, ClinGen allele CA16618922.